The following is an entry in ClinVar:

ClinVar aggregate classification (germline): Uncertain significance. Review status: criteria provided, multiple submitters, no conflicts (2 of 4 stars). 2 submissions from 2 submitters: Uncertain significance (2). Last evaluated 2025-02-26.

Allele frequency attached by ClinVar (database versions not stated): TOPMed below 0.00001; ExAC 0.00003.
gnomAD v4.1: 21 of 1,614,178 alleles (0.0013%); highest among the groups gnomAD compares: South Asian, 0.022%; 1 homozygote.

Submissions (2):

Labcorp Genetics (formerly Invitae), Labcorp
Classification: Uncertain significance. Last evaluated: 2025-02-26. Review status: criteria provided, single submitter. Criteria: Invitae Variant Classification Sherloc (09022015). Collection method: clinical testing. Allele origin: germline.
Comment: This sequence change replaces valine, which is neutral and non-polar, with leucine, which is neutral and non-polar, at codon 59 of the GATAD2B protein (p.Val59Leu). This variant is present in population databases (rs746653168, gnomAD 0.03%). This variant has not been reported in the literature in individuals affected with GATAD2B-related conditions. ClinVar contains an entry for this variant (Variation ID: 1924749). An algorithm developed to predict the effect of missense changes on protein structure and function (PolyPhen-2) suggests that this variant is likely to be tolerated. In summary, the available evidence is currently insufficient to determine the role of this variant in disease. Therefore, it has been classified as a Variant of Uncertain Significance.

Women's Health and Genetics/Laboratory Corporation of America, LabCorp
Classification: Uncertain significance. Last evaluated: 2025-02-06. Review status: criteria provided, single submitter. Criteria: LabCorp Variant Classification Summary - May 2015. Collection method: clinical testing. Allele origin: germline.
Comment: Variant summary: GATAD2B c.175G>T (p.Val59Leu) results in a conservative amino acid change in the encoded protein sequence. Five of five in-silico tools predict a benign effect of the variant on protein function. The variant allele was found at a frequency of 3.2e-05 in 251494 control chromosomes. The available data on variant occurrences in the general population are insufficient to allow any conclusion about variant significance. To our knowledge, no occurrence of c.175G>T in individuals affected with Severe Intellectual Disability-Poor Language-Strabismus Face-Long Fingers Syndrome and no experimental evidence demonstrating its impact on protein function have been reported. ClinVar contains an entry for this variant (Variation ID: 1924749). Based on the evidence outlined above, the variant was classified as uncertain significance.

NM_020699.4(GATAD2B):c.175G>T (p.Val59Leu)

Gene: GATAD2B (GATA zinc finger domain containing 2B; minus strand). Cytogenetic location: 1q21.3.
Variant type: single nucleotide variant.
Coding change: c.175G>T on transcript NM_020699.4 (MANE Select); coding-DNA position 175, G replaced by T.
Protein change: p.Val59Leu; replaces valine 59 with leucine.
Molecular consequence: missense variant.
Genome position (GRCh38, 1-based): chr1:153,828,173, C>A on the plus strand (G>T on the coding strand, the complement: GATAD2B is on the minus strand). VCF-style: chr1-153828173-C-A. GRCh37 (hg19) VCF-style: chr1-153800649-C-A.
Other names: short protein forms V59L.
Identifiers: ClinVar variation 1924749 (VCV001924749.6), dbSNP rs746653168, ClinGen allele CA1120918.